The following is an entry in ClinVar:

ClinVar aggregate classification (germline): Pathogenic/Likely pathogenic. Review status: criteria provided, multiple submitters, no conflicts (2 of 4 stars). 4 submissions from 4 submitters: Pathogenic (3); Likely pathogenic (1). Last evaluated 2025-05-05.

Conditions:
ATM-related disorder. Also called: ATM-related disorders; ATM-related condition.
Hereditary cancer-predisposing syndrome. Also called: Tumor predisposition; Neoplastic Syndromes, Hereditary; Hereditary neoplastic syndrome; Hereditary Cancer Syndrome. Identifiers: Orphanet 140162, MedGen C0027672, MeSH D009386, MONDO:0015356.
Ataxia-telangiectasia syndrome (AT). Also called: Ataxia-telangiectasia, complementation group D; AT, COMPLEMENTATION GROUP C; ATAXIA-TELANGIECTASIA, COMPLEMENTATION GROUP A; ATAXIA-TELANGIECTASIA, FRESNO VARIANT; Ataxia-telangiectasia; Ataxia telangiectasia (A-T). Identifiers: Orphanet 100, MedGen C0004135, MONDO:0008840, OMIM 208900.

Submissions (4):

Ambry Genetics
Classification: Pathogenic for Hereditary cancer-predisposing syndrome. Last evaluated: 2025-05-05. Review status: criteria provided, single submitter. Criteria: Ambry Variant Classification Scheme 2023. Collection method: clinical testing. Allele origin: germline.
Comment: The p.Q2066* variant (also known as c.6196C>T), located in coding exon 41 of the ATM gene, results from a C to T substitution at nucleotide position 6196. This changes the amino acid from a glutamine to a stop codon within coding exon 41. This alteration is expected to result in loss of function by premature protein truncation or nonsense-mediated mRNA decay. As such, this alteration is interpreted as a disease-causing mutation.

Color Diagnostics, LLC DBA Color Health
Classification: Pathogenic for Hereditary cancer-predisposing syndrome. Last evaluated: 2024-08-27. Review status: criteria provided, single submitter. Criteria: ACMG Guidelines, 2015. Collection method: clinical testing. Allele origin: germline.
Comment: This variant changes 1 nucleotide in exon 42/63 of the ATM gene, creating a premature translation stop signal. This variant is expected to result in an absent or non-functional protein product. To our knowledge, this variant has not been reported in individuals affected with ATM-related disorders in the literature. This variant has not been identified in the general population by the Genome Aggregation Database (gnomAD). Loss of ATM function is a known mechanism of disease. Based on the available evidence, this variant is classified as Pathogenic.

Blueprint Genetics
Classification: Likely pathogenic for ATM-related disorders. Last evaluated: 2024-06-26. Review status: criteria provided, single submitter. Criteria: ACMG Guidelines, 2015. Collection method: clinical testing. Allele origin: germline. Affected: yes. Observed: 1 variant allele.

Labcorp Genetics (formerly Invitae), Labcorp
Classification: Pathogenic for Ataxia-telangiectasia syndrome. Last evaluated: 2019-05-02. Review status: criteria provided, single submitter. Criteria: Invitae Variant Classification Sherloc (09022015). Collection method: clinical testing. Allele origin: germline.
Comment: This variant is not present in population databases (ExAC no frequency). For these reasons, this variant has been classified as Pathogenic. Loss-of-function variants in ATM are known to be pathogenic (PMID: 23807571, 25614872). This variant has not been reported in the literature in individuals with ATM-related conditions. This sequence change creates a premature translational stop signal (p.Gln2066*) in the ATM gene. It is expected to result in an absent or disrupted protein product.

Literature cited by the submitters: PubMed 23807571 (cited by Labcorp Genetics (formerly Invitae), Labcorp); PubMed 25614872 (cited by Labcorp Genetics (formerly Invitae), Labcorp).

NM_000051.4(ATM):c.6196C>T (p.Gln2066Ter)

Genes: ATM (ATM serine/threonine kinase; plus strand), C11orf65 (chromosome 11 open reading frame 65; minus strand). Cytogenetic location: 11q22.3.
Variant type: single nucleotide variant.
Coding change: c.6196C>T on transcript NM_000051.4 (MANE Select); coding-DNA position 6196, C replaced by T.
Protein change: p.Gln2066Ter; replaces glutamine 2066 with a stop codon.
Molecular consequence: nonsense. On other transcripts: intron variant (2).
Genome position (GRCh38, 1-based): chr11:108,316,111, C>T. VCF-style: chr11-108316111-C-T. GRCh37 (hg19) VCF-style: chr11-108186838-C-T.
Other names: c.6196C>T, p.Gln2066Ter (NM_001351834.2); c.641-7040G>A (NM_001330368.2); c.*39-7040G>A (NM_001351110.2); short protein forms Q2066*.
Identifiers: ClinVar variation 946039 (VCV000946039.10), dbSNP rs1361215494, ClinGen allele CA382550806.